The following is an entry in ClinVar:

NM_015346.4(ZFYVE26):c.1378G>A (p.Glu460Lys)

Gene: ZFYVE26 (zinc finger FYVE-type containing 26; minus strand). Cytogenetic location: 14q24.1.
Variant type: single nucleotide variant.
Coding change: c.1378G>A on transcript NM_015346.4 (MANE Select); coding-DNA position 1378, G replaced by A.
Protein change: p.Glu460Lys; replaces glutamic acid 460 with lysine.
Molecular consequence: missense variant.
Genome position (GRCh38, 1-based): chr14:67,804,158, C>T on the plus strand (G>A on the coding strand, the complement: ZFYVE26 is on the minus strand). VCF-style: chr14-67804158-C-T. GRCh37 (hg19) VCF-style: chr14-68270875-C-T.
Other names: short protein forms E460K.
Identifiers: ClinVar variation 968608 (VCV000968608.9), dbSNP rs764112580, ClinGen allele CA7240539.

ClinVar aggregate classification (germline): Uncertain significance. Review status: criteria provided, multiple submitters, no conflicts (2 of 4 stars). 2 submissions from 2 submitters: Uncertain significance (2). Last evaluated 2021-09-01.

Conditions:
Hereditary spastic paraplegia. Also called: Familial spastic paraparesis. Identifiers: Orphanet 685, MedGen C0037773, MONDO:0019064. Disease mechanism: loss of function.
Spastic paraplegia. Identifiers: MedGen C0037772, HP:0001258.

Allele frequency attached by ClinVar (database versions not stated): gnomAD 0.00001; gnomAD exomes 0.00001; TOPMed 0.00001; ExAC 0.00002.
gnomAD v4.1: 13 of 1,614,066 alleles (0.00081%); highest among the groups gnomAD compares: Middle Eastern, 0.016%; no homozygotes.

Submissions (2):

Labcorp Genetics (formerly Invitae), Labcorp
Classification: Uncertain significance for Spastic paraplegia. Last evaluated: 2021-09-01. Review status: criteria provided, single submitter. Criteria: Invitae Variant Classification Sherloc (09022015). Collection method: clinical testing. Allele origin: germline.
Comment: This sequence change replaces glutamic acid with lysine at codon 460 of the ZFYVE26 protein (p.Glu460Lys). The glutamic acid residue is highly conserved and there is a small physicochemical difference between glutamic acid and lysine. This variant is present in population databases (rs764112580, ExAC 0.003%). This variant has not been reported in the literature in individuals affected with ZFYVE26-related conditions. Algorithms developed to predict the effect of missense changes on protein structure and function are either unavailable or do not agree on the potential impact of this missense change (SIFT: "Deleterious"; PolyPhen-2: "Benign"; Align-GVGD: "Class C55"). In summary, the available evidence is currently insufficient to determine the role of this variant in disease. Therefore, it has been classified as a Variant of Uncertain Significance.

Genome Diagnostics Laboratory, The Hospital for Sick Children
Classification: Uncertain significance for Hereditary spastic paraplegia. Last evaluated: 2021-06-18. Review status: criteria provided, single submitter. Criteria: ACMG Guidelines, 2015. Collection method: clinical testing. Allele origin: germline. Affected: yes.